The following is an entry in ClinVar:

ClinVar aggregate classification (germline): Uncertain significance (1 of 4 stars; one submission).

Conditions:
Ullrich congenital muscular dystrophy 2 (UCMD2). Identifiers: Orphanet 75840, MedGen C4225314, MONDO:0014654, OMIM 616470.
Bethlem myopathy 2 (BTHLM2). Identifiers: Orphanet 536516, Orphanet 610, MedGen C4225313, MONDO:0034022, OMIM 616471.

gnomAD v4.1: 2 of 1,589,572 alleles (0.00013%); highest among the groups gnomAD compares: Middle Eastern, 0.017%; no homozygotes.

Submission:

Labcorp Genetics (formerly Invitae), Labcorp
Classification: Uncertain significance for Bethlem myopathy 2; Ullrich congenital muscular dystrophy 2. Last evaluated: 2022-07-05. Review status: criteria provided, single submitter. Criteria: Invitae Variant Classification Sherloc (09022015). Collection method: clinical testing. Allele origin: germline.
Comment: This variant has not been reported in the literature in individuals affected with COL12A1-related conditions. This variant is not present in population databases (gnomAD no frequency). This sequence change falls in intron 10 of the COL12A1 gene. It does not directly change the encoded amino acid sequence of the COL12A1 protein. It affects a nucleotide within the consensus splice site. ClinVar contains an entry for this variant (Variation ID: 1017170). In summary, the available evidence is currently insufficient to determine the role of this variant in disease. Therefore, it has been classified as a Variant of Uncertain Significance. Variants that disrupt the consensus splice site are a relatively common cause of aberrant splicing (PMID: 17576681, 9536098). Algorithms developed to predict the effect of sequence changes on RNA splicing suggest that this variant is not likely to affect RNA splicing.

Literature cited by the submitters: PubMed 17576681; PubMed 9536098.

NM_004370.6(COL12A1):c.1891+4A>C

Gene: COL12A1 (collagen type XII alpha 1 chain; minus strand). Cytogenetic location: 6q13.
Variant type: single nucleotide variant.
Coding change: c.1891+4A>C on transcript NM_004370.6 (MANE Select); 4 bases into the intron after coding-DNA position 1891, A replaced by C.
Molecular consequence: intron variant.
Genome position (GRCh38, 1-based): chr6:75,183,046, T>G on the plus strand (A>C on the coding strand, the complement: COL12A1 is on the minus strand). VCF-style: chr6-75183046-T-G. GRCh37 (hg19) VCF-style: chr6-75892762-T-G.
Other names: c.73+19674A>C (NM_080645.3).
Identifiers: ClinVar variation 1017170 (VCV001017170.7), dbSNP rs148292262, ClinGen allele CA1638975519.
Genomic context (GRCh38, chr6:75,183,046, plus strand): 5'-CAATTTTAGAACCAAAAATTCTTTGTTCATGAAGAAATAACTTTTACTCTCAAAGTCTAC[T>G]AACCTTTCTTCTTTATAGCTGCCAATTCTTGCTCAATTCTAAGGCAGATAGACTGTGTGA-3'